The following is an entry in ClinVar:

ClinVar aggregate classification (germline): Uncertain significance. Review status: criteria provided, multiple submitters, no conflicts (2 of 4 stars). 4 submissions from 4 submitters: Uncertain significance (4). Last evaluated 2025-11-05.

Conditions:
Microcephaly, normal intelligence and immunodeficiency (NBS). Also called: BERLIN BREAKAGE SYNDROME; Nijmegen breakage syndrome; Microcephaly with normal intelligence immunodeficiency and lymphoreticular malignancies; Nonsyndromal microcephaly autosomal recessive with normal intelligence; Seemanova syndrome 2; SEEMANOVA SYNDROME II. Identifiers: Orphanet 647, MedGen C0398791, MONDO:0009623, OMIM 251260.
Hereditary cancer-predisposing syndrome. Also called: Hereditary Cancer Syndrome; Tumor predisposition; Neoplastic Syndromes, Hereditary; Hereditary neoplastic syndrome. Identifiers: Orphanet 140162, MedGen C0027672, MeSH D009386, MONDO:0015356.

Allele frequency attached by ClinVar (database versions not stated): gnomAD exomes below 0.00001.
gnomAD v4.1: 2 of 1,612,458 alleles (0.00012%); highest among the groups gnomAD compares: Non-Finnish European, 0.00017%; no homozygotes.

Submissions (4):

Ambry Genetics
Classification: Uncertain significance for Hereditary cancer-predisposing syndrome. Last evaluated: 2025-11-05. Review status: criteria provided, single submitter. Criteria: Ambry Variant Classification Scheme 2023. Collection method: clinical testing. Allele origin: germline.
Comment: The p.T126S variant (also known as c.376A>T), located in coding exon 4 of the NBN gene, results from an A to T substitution at nucleotide position 376. The threonine at codon 126 is replaced by serine, an amino acid with similar properties. This amino acid position is conserved. In addition, this alteration is predicted to be tolerated by in silico analysis. Since supporting evidence is limited at this time, the clinical significance of this alteration remains unclear.

Labcorp Genetics (formerly Invitae), Labcorp
Classification: Uncertain significance for Microcephaly, normal intelligence and immunodeficiency. Last evaluated: 2023-07-03. Review status: criteria provided, single submitter. Criteria: Invitae Variant Classification Sherloc (09022015). Collection method: clinical testing. Allele origin: germline.
Comment: This sequence change replaces threonine, which is neutral and polar, with serine, which is neutral and polar, at codon 126 of the NBN protein (p.Thr126Ser). This variant is present in population databases (no rsID available, gnomAD 0.0009%). This variant has not been reported in the literature in individuals affected with NBN-related conditions. ClinVar contains an entry for this variant (Variation ID: 649435). An algorithm developed to predict the effect of missense changes on protein structure and function (PolyPhen-2) suggests that this variant is likely to be tolerated. In summary, the available evidence is currently insufficient to determine the role of this variant in disease. Therefore, it has been classified as a Variant of Uncertain Significance.

Genome-Nilou Lab
Classification: Uncertain significance for Microcephaly, normal intelligence and immunodeficiency. Last evaluated: 2021-11-07. Review status: criteria provided, single submitter. Criteria: ACMG Guidelines, 2015. Collection method: clinical testing. Allele origin: germline. Affected: no.

GeneDx
Classification: Uncertain significance. Last evaluated: 2019-11-05. Review status: criteria provided, single submitter. Criteria: GeneDx Variant Classification Process June 2021. Collection method: clinical testing. Allele origin: germline. Affected: yes.
Comment: Not observed at a significant frequency in large population cohorts (Lek 2016); In silico analysis, which includes protein predictors and evolutionary conservation, supports that this variant does not alter protein structure/function; Has not been previously published as pathogenic or benign to our knowledge

NM_002485.5(NBN):c.376A>T (p.Thr126Ser)

Gene: NBN (nibrin; minus strand). Cytogenetic location: 8q21.3.
Variant type: single nucleotide variant.
Coding change: c.376A>T on transcript NM_002485.5 (MANE Select); coding-DNA position 376, A replaced by T.
Protein change: p.Thr126Ser; replaces threonine 126 with serine.
Molecular consequence: missense variant.
Genome position (GRCh38, 1-based): chr8:89,980,838, T>A on the plus strand (A>T on the coding strand, the complement: NBN is on the minus strand). VCF-style: chr8-89980838-T-A. GRCh37 (hg19) VCF-style: chr8-90993066-T-A.
Other names: c.130A>T, p.Thr44Ser (NM_001024688.3); short protein forms T44S, T126S.
Identifiers: ClinVar variation 649435 (VCV000649435.19), dbSNP rs1484120047, ClinGen allele CA371662009.
Genomic context (GRCh38, chr8:89,980,838, plus strand): 5'-CTTCTGTCCAATTGTTTACAGTAAATCCTCCAAGTTGCAATATAGCTTGATTTAAAGCAG[T>A]TTTCCCAGAGACATCTAAACAAGAAGAGCATGCAACCAAAGGCTCATACTCTATTCTGTA-3'
Protein context (NP_002476.2, residues 116-136): CSSCLDVSGK[Thr126Ser]ALNQAILQLG